The following is an entry in ClinVar:

ClinVar aggregate classification (oncogenicity): Likely oncogenic (0 of 4 stars; one submission).

Conditions:
Gastrointestinal stromal tumor. Also called: Gastrointestinal stromal tumor, somatic; Gastrointestinal stroma tumor. Identifiers: Orphanet 44890, MedGen C0238198, MeSH D046152, MONDO:0011719, OMIM 606764, HP:0100723.

Submission:

National Institute of Cancer Research, National Health Research Institutes
Classification: Likely oncogenic for Gastrointestinal stromal tumor. Review status: no assertion criteria provided. Collection method: research. Allele origin: somatic. Affected: yes. Observed: 3 variant alleles.
Comment: the literature

NM_000222.3(KIT):c.1669T>A (p.Trp557Arg)

Gene: KIT (KIT proto-oncogene, receptor tyrosine kinase; plus strand). Cytogenetic location: 4q12.
Variant type: single nucleotide variant.
Coding change: c.1669T>A on transcript NM_000222.3 (MANE Select); coding-DNA position 1669, T replaced by A.
Protein change: p.Trp557Arg; replaces tryptophan 557 with arginine.
Molecular consequence: missense variant.
Genome position (GRCh38, 1-based): chr4:54,727,437, T>A. VCF-style: chr4-54727437-T-A. GRCh37 (hg19) VCF-style: chr4-55593603-T-A.
Other names: c.1657T>A, p.Trp553Arg (NM_001093772.2, NM_001385286.1); c.1672T>A, p.Trp558Arg (NM_001385284.1, NM_001385290.1); c.1669T>A, p.Trp557Arg (NM_001385285.1); c.1660T>A, p.Trp554Arg (NM_001385288.1, NM_001385292.1); short protein forms W557R, W553R, W554R, W558R.
Identifiers: ClinVar variation 375908 (VCV000375908.2), dbSNP rs121913235, ClinGen allele CA16602391.